The following is an entry in ClinVar:

ClinVar aggregate classification (germline): Uncertain significance. Review status: criteria provided, single submitter (1 of 4 stars). 2 submissions from 2 submitters: Uncertain significance (1). 1 of the submissions does not count toward it. Last evaluated 2021-11-14.

Conditions:
Short-rib thoracic dysplasia 10 with or without polydactyly (SRTD10). Identifiers: Orphanet 474, MedGen C3810175, MONDO:0014284, OMIM 615630.
Retinitis pigmentosa 71 (RP71). Identifiers: Orphanet 791, MedGen C4225342, MONDO:0014618, OMIM 616394.
Retinal dystrophy. Also called: Inherited retinal dystrophy. Identifiers: Orphanet 71862, MedGen C0854723, MeSH D058499, MONDO:0019118, HP:0000556.

Allele frequency attached by ClinVar (database versions not stated): gnomAD exomes 0.00001; ExAC 0.00001.
gnomAD v4.1: 3 of 1,613,068 alleles (0.00019%); highest among the groups gnomAD compares: Non-Finnish European, 0.00025%; no homozygotes.

Submissions (2):

Labcorp Genetics (formerly Invitae), Labcorp
Classification: Uncertain significance for Retinitis pigmentosa 71; Short-rib thoracic dysplasia 10 with or without polydactyly. Last evaluated: 2021-11-14. Review status: criteria provided, single submitter. Criteria: Invitae Variant Classification Sherloc (09022015). Collection method: clinical testing. Allele origin: germline.
Comment: In summary, the available evidence is currently insufficient to determine the role of this variant in disease. Therefore, it has been classified as a Variant of Uncertain Significance. Algorithms developed to predict the effect of missense changes on protein structure and function (SIFT, PolyPhen-2, Align-GVGD) all suggest that this variant is likely to be tolerated. This variant has not been reported in the literature in individuals affected with IFT172-related conditions. This variant is not present in population databases (gnomAD no frequency). This sequence change replaces valine, which is neutral and non-polar, with isoleucine, which is neutral and non-polar, at codon 1681 of the IFT172 protein (p.Val1681Ile).

Institute of Human Genetics, Univ. Regensburg, Univ. Regensburg
Classification: Uncertain significance for Retinal dystrophy. Last evaluated: 2023-01-01. Review status: no assertion criteria provided. Criteria: ACMG Guidelines, 2015. Collection method: clinical testing. Allele origin: germline. Affected: yes. Not counted in ClinVar's aggregate classification.

NM_015662.3(IFT172):c.5041G>A (p.Val1681Ile)

Genes: IFT172 (intraflagellar transport 172; minus strand), KRTCAP3 (keratinocyte associated protein 3; plus strand). Cytogenetic location: 2p23.3.
Variant type: single nucleotide variant.
Coding change: c.5041G>A on transcript NM_015662.3 (MANE Select); coding-DNA position 5041, G replaced by A.
Protein change: p.Val1681Ile; replaces valine 1681 with isoleucine.
Molecular consequence: missense variant. On other transcripts: intron variant (1).
Genome position (GRCh38, 1-based): chr2:27,445,323, C>T on the plus strand (G>A on the coding strand, the complement: IFT172 is on the minus strand). VCF-style: chr2-27445323-C-T. GRCh37 (hg19) VCF-style: chr2-27668190-C-T.
Other names: c.4975G>A, p.Val1659Ile (NM_001410739.1); c.*6-978C>T (NM_001168364.2); short protein forms V1681I, V1659I.
Identifiers: ClinVar variation 1426065 (VCV001426065.8), dbSNP rs763335302, ClinGen allele CA1579384.
Genomic context (GRCh38, chr2:27,445,323, plus strand): 5'-CCACAGGATCTGGGGTGCTGTAGGCTTCTATACCTGTAATAAGGCAGGGCAGGGCTCGAA[C>T]ACCAGTGCTCGCTGCCACTAGGGAGGCCTCGTAGGCGCCACGCTCATCCCGAGGCAGAAC-3'
Protein context (NP_056477.1, residues 1671-1691): EASLVAASTG[Val1681Ile]RALPCLITGY